The following is an entry in ClinVar:

NM_004963.4(GUCY2C):c.1930+8A>G

Gene: GUCY2C (guanylate cyclase 2C; minus strand). Cytogenetic location: 12p12.3.
Variant type: single nucleotide variant.
Coding change: c.1930+8A>G on transcript NM_004963.4 (MANE Select); 8 bases into the intron after coding-DNA position 1930, A replaced by G.
Molecular consequence: intron variant.
Genome position (GRCh38, 1-based): chr12:14,643,566, T>C on the plus strand (A>G on the coding strand, the complement: GUCY2C is on the minus strand). VCF-style: chr12-14643566-T-C. GRCh37 (hg19) VCF-style: chr12-14796500-T-C.
Identifiers: ClinVar variation 3019334 (VCV003019334.3), dbSNP rs547446924, ClinGen allele CA233195609.

ClinVar aggregate classification (germline): Uncertain significance (1 of 4 stars; one submission).

Allele frequency attached by ClinVar (database versions not stated): gnomAD exomes below 0.00001.

Submission:

Labcorp Genetics (formerly Invitae), Labcorp
Classification: Uncertain significance. Last evaluated: 2023-07-28. Review status: criteria provided, single submitter. Criteria: Invitae Variant Classification Sherloc (09022015). Collection method: clinical testing. Allele origin: germline.
Comment: In summary, the available evidence is currently insufficient to determine the role of this variant in disease. Therefore, it has been classified as a Variant of Uncertain Significance. This sequence change falls in intron 17 of the GUCY2C gene. It does not directly change the encoded amino acid sequence of the GUCY2C protein. This variant is not present in population databases (gnomAD no frequency). This variant has not been reported in the literature in individuals affected with GUCY2C-related conditions. Algorithms developed to predict the effect of sequence changes on RNA splicing suggest that this variant may disrupt the consensus splice site.